The following is an entry in ClinVar:

NM_033641.4(COL4A6):c.2569G>A (p.Val857Ile)

Gene: COL4A6 (collagen type IV alpha 6 chain; minus strand). Cytogenetic location: Xq22.3.
Variant type: single nucleotide variant.
Coding change: c.2569G>A on transcript NM_033641.4 (MANE Select); coding-DNA position 2569, G replaced by A.
Protein change: p.Val857Ile; replaces valine 857 with isoleucine.
Molecular consequence: missense variant.
Genome position (GRCh38, 1-based): chrX:108,176,958, C>T on the plus strand (G>A on the coding strand, the complement: COL4A6 is on the minus strand). VCF-style: chrX-108176958-C-T. GRCh37 (hg19) VCF-style: chrX-107420188-C-T.
Other names: c.2620G>A, p.Val874Ile (NM_001287758.2); c.2569G>A, p.Val857Ile (NM_001287759.2, NM_001287760.2); c.2572G>A, p.Val858Ile (NM_001847.4); short protein forms V857I, V858I, V874I.
Identifiers: ClinVar variation 3639347 (VCV003639347.2).

ClinVar aggregate classification (germline): Uncertain significance (1 of 4 stars; one submission).

Submission:

Labcorp Genetics (formerly Invitae), Labcorp
Classification: Uncertain significance. Last evaluated: 2024-02-19. Review status: criteria provided, single submitter. Criteria: Invitae Variant Classification Sherloc (09022015). Collection method: clinical testing. Allele origin: germline.
Comment: This sequence change replaces valine, which is neutral and non-polar, with isoleucine, which is neutral and non-polar, at codon 858 of the COL4A6 protein (p.Val858Ile). This variant is not present in population databases (gnomAD no frequency). This variant has not been reported in the literature in individuals affected with COL4A6-related conditions. Advanced modeling of protein sequence and biophysical properties (such as structural, functional, and spatial information, amino acid conservation, physicochemical variation, residue mobility, and thermodynamic stability) performed at Invitae indicates that this missense variant is not expected to disrupt COL4A6 protein function with a negative predictive value of 80%. In summary, the available evidence is currently insufficient to determine the role of this variant in disease. Therefore, it has been classified as a Variant of Uncertain Significance.